The following is an entry in ClinVar:

ClinVar aggregate classification (germline): Uncertain significance. Review status: criteria provided, multiple submitters, no conflicts (2 of 4 stars). 2 submissions from 2 submitters: Uncertain significance (2). Last evaluated 2024-01-17.

Conditions:
Inborn genetic diseases. Identifiers: MedGen C0950123, MeSH D030342.

Allele frequency attached by ClinVar (database versions not stated): gnomAD 0.00001; gnomAD exomes 0.00001 and 0.00002; TOPMed 0.00002; ExAC 0.00003.
gnomAD v4.1: 17 of 1,613,962 alleles (0.0011%); highest among the groups gnomAD compares: Admixed American, 0.0033%; no homozygotes.

Submissions (2):

Ambry Genetics
Classification: Uncertain significance for Inborn genetic diseases. Last evaluated: 2024-01-17. Review status: criteria provided, single submitter. Criteria: Ambry Variant Classification Scheme 2023. Collection method: clinical testing. Allele origin: germline.

GeneDx
Classification: Uncertain significance. Last evaluated: 2019-06-25. Review status: criteria provided, single submitter. Criteria: GeneDx Variant Classification Process June 2021. Collection method: clinical testing. Allele origin: germline. Affected: yes.
Comment: In silico analysis, which includes protein predictors and evolutionary conservation, supports a deleterious effect; Has not been previously published as pathogenic or benign to our knowledge

NM_017433.5(MYO3A):c.4072C>T (p.Arg1358Trp)

Gene: MYO3A (myosin IIIA; plus strand). Cytogenetic location: 10p12.1.
Variant type: single nucleotide variant.
Coding change: c.4072C>T on transcript NM_017433.5 (MANE Select); coding-DNA position 4072, C replaced by T.
Protein change: p.Arg1358Trp; replaces arginine 1358 with tryptophan.
Molecular consequence: missense variant.
Genome position (GRCh38, 1-based): chr10:26,174,336, C>T. VCF-style: chr10-26174336-C-T. GRCh37 (hg19) VCF-style: chr10-26463265-C-T.
Other names: short protein forms R1358W.
Identifiers: ClinVar variation 1306521 (VCV001306521.3), dbSNP rs775816097, ClinGen allele CA5445371.